The following is an entry in ClinVar:

NM_000179.3(MSH6):c.2897C>G (p.Thr966Ser)

Gene: MSH6 (mutS homolog 6; plus strand). Cytogenetic location: 2p16.3.
Variant type: single nucleotide variant.
Coding change: c.2897C>G on transcript NM_000179.3 (MANE Select); coding-DNA position 2897, C replaced by G.
Protein change: p.Thr966Ser; replaces threonine 966 with serine.
Molecular consequence: missense variant.
Genome position (GRCh38, 1-based): chr2:47,800,880, C>G. VCF-style: chr2-47800880-C-G. GRCh37 (hg19) VCF-style: chr2-48028019-C-G.
Other names: c.2507C>G, p.Thr836Ser (NM_001281492.2); c.1991C>G, p.Thr664Ser (NM_001281493.2, NM_001281494.2); short protein forms T664S, T836S, T966S.
Identifiers: ClinVar variation 821928 (VCV000821928.9), dbSNP rs1183568138, ClinGen allele CA346756094.

ClinVar aggregate classification (germline): Conflicting classifications of pathogenicity. Review status: criteria provided, conflicting classifications (1 of 4 stars). 2 submissions from 2 submitters: Uncertain significance (1); Likely benign (1). Last evaluated 2022-04-28.

Conditions:
Hereditary nonpolyposis colorectal neoplasms. Identifiers: MedGen C0009405, MeSH D003123.
Hereditary cancer-predisposing syndrome. Also called: Tumor predisposition; Hereditary Cancer Syndrome; Neoplastic Syndromes, Hereditary; Hereditary neoplastic syndrome. Identifiers: Orphanet 140162, MedGen C0027672, MeSH D009386, MONDO:0015356.

Allele frequency attached by ClinVar (database versions not stated): gnomAD exomes below 0.00001.
gnomAD v4.1: 1 of 1,612,018 alleles (0.000062%); highest among the groups gnomAD compares: South Asian, 0.0011%; no homozygotes.

Submissions (2):

Labcorp Genetics (formerly Invitae), Labcorp
Classification: Likely benign for Hereditary nonpolyposis colorectal neoplasms. Last evaluated: 2022-04-28. Review status: criteria provided, single submitter. Criteria: Invitae Variant Classification Sherloc (09022015). Collection method: clinical testing. Allele origin: germline.

Ambry Genetics
Classification: Uncertain significance for Hereditary cancer-predisposing syndrome. Last evaluated: 2019-03-14. Review status: criteria provided, single submitter. Criteria: Ambry Variant Classification Scheme 2023. Collection method: clinical testing. Allele origin: germline.
Comment: The p.T966S variant (also known as c.2897C>G), located in coding exon 4 of the MSH6 gene, results from a C to G substitution at nucleotide position 2897. The threonine at codon 966 is replaced by serine, an amino acid with similar properties. This amino acid position is poorly conserved in available vertebrate species. In addition, this alteration is predicted to be tolerated by in silico analysis. In addition, the CoDP in silico tool predicts this alteration to have a minor impact on molecular function, with a score of 0.001 (Terui H et al. J. Biomed. Sci. 2013 Apr;20:25). Since supporting evidence is limited at this time, the clinical significance of this alteration remains unclear.